The following is an entry in ClinVar:

NM_001378454.1(ALMS1):c.6926C>T (p.Thr2309Met)

Gene: ALMS1 (ALMS1 centrosome and basal body associated protein; plus strand). Cytogenetic location: 2p13.1.
Variant type: single nucleotide variant.
Coding change: c.6926C>T on transcript NM_001378454.1 (MANE Select); coding-DNA position 6926, C replaced by T.
Protein change: p.Thr2309Met; replaces threonine 2309 with methionine.
Molecular consequence: missense variant.
Genome position (GRCh38, 1-based): chr2:73,453,453, C>T. VCF-style: chr2-73453453-C-T. GRCh37 (hg19) VCF-style: chr2-73680580-C-T.
Other names: c.6929C>T, p.Thr2310Met (NM_015120.4); short protein forms T2310M, T2309M.
Identifiers: ClinVar variation 552756 (VCV000552756.39), dbSNP rs147001219, ClinGen allele CA1714149.
Genomic context (GRCh38, chr2:73,453,453, plus strand): 5'-TTAGTGATATTTCATTTATACAATCTAAGAAGGTGGTTTGCTTCAAAGAACCCTCTTCCA[C>T]GGGTGTATCTAATGGTGATTTGCTTCACAGACAGCCATTCACAGAGGAAAGCCCAAGCAG-3'
Protein context (NP_001365383.1, residues 2299-2319): KVVCFKEPSS[Thr2309Met]GVSNGDLLHR

ClinVar aggregate classification (germline): Conflicting classifications of pathogenicity. Review status: criteria provided, conflicting classifications (1 of 4 stars). 7 submissions from 7 submitters: Uncertain significance (3); Likely benign (2). 2 of the submissions do not count toward it. Last evaluated 2025-08-21.

Conditions:
Cardiovascular phenotype. Identifiers: MedGen CN230736.
Alstrom syndrome (ALMS). Identifiers: Orphanet 64, MedGen C0268425, MONDO:0008763, OMIM 203800.

Allele frequency attached by ClinVar (database versions not stated): ExAC 0.00003; gnomAD exomes 0.00003 and 0.00005; gnomAD 0.00004 and 0.00005; ESP Exome Variant Server 0.00008; TOPMed 0.00009; 1000 Genomes Project 30x 0.00016.
gnomAD v4.1: 49 of 1,613,146 alleles (0.003%); highest among the groups gnomAD compares: Admixed American, 0.013%; no homozygotes.

Submissions (7):

Ambry Genetics
Classification: Likely benign for Cardiovascular phenotype. Last evaluated: 2025-08-21. Review status: criteria provided, single submitter. Criteria: Ambry Variant Classification Scheme 2023. Collection method: clinical testing. Allele origin: germline.

GeneDx
Classification: Uncertain significance. Last evaluated: 2025-08-05. Review status: criteria provided, single submitter. Criteria: GeneDx Variant Classification Process June 2021. Collection method: clinical testing. Allele origin: germline.
Comment: In silico analysis supports that this missense variant has a deleterious effect on protein structure/function; Has not been previously published as pathogenic or benign to our knowledge

Labcorp Genetics (formerly Invitae), Labcorp
Classification: Uncertain significance for Alstrom syndrome. Last evaluated: 2022-07-26. Review status: criteria provided, single submitter. Criteria: Invitae Variant Classification Sherloc (09022015). Collection method: clinical testing. Allele origin: germline.
Comment: This sequence change replaces threonine, which is neutral and polar, with methionine, which is neutral and non-polar, at codon 2310 of the ALMS1 protein (p.Thr2310Met). This variant is present in population databases (rs147001219, gnomAD 0.01%). This variant has not been reported in the literature in individuals affected with ALMS1-related conditions. ClinVar contains an entry for this variant (Variation ID: 552756). Experimental studies and prediction algorithms are not available or were not evaluated, and the functional significance of this variant is currently unknown. In summary, the available evidence is currently insufficient to determine the role of this variant in disease. Therefore, it has been classified as a Variant of Uncertain Significance.

CeGaT Center for Human Genetics Tuebingen
Classification: Likely benign. Last evaluated: 2022-07-01. Review status: criteria provided, single submitter. Criteria: CeGaT Center For Human Genetics Tuebingen Variant Classification Criteria Version 2. Collection method: clinical testing. Allele origin: germline. Affected: yes. Observed: 1 variant allele.
Comment: ALMS1: BP4

Fulgent Genetics
Classification: Uncertain significance for Alstrom syndrome. Last evaluated: 2022-02-17. Review status: criteria provided, single submitter. Criteria: ACMG Guidelines, 2015. Collection method: clinical testing. Allele origin: unknown.

Natera, Inc.
Classification: Uncertain significance for Alstrom syndrome. Last evaluated: 2021-04-15. Review status: no assertion criteria provided. Collection method: clinical testing. Allele origin: germline. Not counted in ClinVar's aggregate classification.

Counsyl
Classification: Uncertain significance for Alstrom syndrome. Last evaluated: 2017-07-06. Review status: no assertion criteria provided. Collection method: clinical testing. Allele origin: unknown. Not counted in ClinVar's aggregate classification.